The following is an entry in ClinVar:

ClinVar aggregate classification (germline): Uncertain significance (1 of 4 stars; one submission).

Submission:

GeneDx
Classification: Uncertain significance. Last evaluated: 2025-01-31. Review status: criteria provided, single submitter. Criteria: GeneDx Variant Classification Process June 2021. Collection method: clinical testing. Allele origin: germline. Affected: yes.
Comment: Initiation codon variant in a gene for which loss of function is a known mechanism of disease; however, a downstream in-frame Methionine is observed, and functional data is not available to determine whether this variant is disruptive in this transcript; Has not been previously published as pathogenic or benign to our knowledge

NM_001366521.1(ATP2B1):c.1A>G (p.Met1Val)

Gene: ATP2B1 (ATPase plasma membrane Ca2+ transporting 1; minus strand). Cytogenetic location: 12q21.33.
Variant type: single nucleotide variant.
Coding change: c.1A>G on transcript NM_001366521.1 (MANE Select); coding-DNA position 1, A replaced by G.
Protein change: p.Met1Val; changes the start codon (methionine 1).
Molecular consequence: missense variant, initiator codon variant. On other transcripts: non-coding transcript variant (3).
Genome position (GRCh38, 1-based): chr12:89,655,886, T>C on the plus strand (A>G on the coding strand, the complement: ATP2B1 is on the minus strand). VCF-style: chr12-89655886-T-C. GRCh37 (hg19) VCF-style: chr12-90049663-T-C.
Other names: c.1A>G, p.Met1Val (NM_001001323.2, NM_001366520.1, NM_001366522.1 and 26 more transcripts); short protein forms M1V.
Identifiers: ClinVar variation 4072666 (VCV004072666.1).